The following is an entry in ClinVar:

NM_033409.4(SLC52A3):c.1381G>T (p.Asp461Tyr)

Gene: SLC52A3 (solute carrier family 52 member 3; minus strand). Cytogenetic location: 20p13.
Variant type: single nucleotide variant.
Coding change: c.1381G>T on transcript NM_033409.4 (MANE Select); coding-DNA position 1381, G replaced by T.
Protein change: p.Asp461Tyr; replaces aspartic acid 461 with tyrosine.
Molecular consequence: missense variant.
Genome position (GRCh38, 1-based): chr20:761,055, C>A on the plus strand (G>T on the coding strand, the complement: SLC52A3 is on the minus strand). VCF-style: chr20-761055-C-A. GRCh37 (hg19) VCF-style: chr20-741699-C-A.
Other names: p.Asp461Tyr; c.1381G>T, p.Asp461Tyr (NM_001370085.1, NM_001370086.1); short protein forms D461Y.
Identifiers: ClinVar variation 476604 (VCV000476604.60), dbSNP rs140360713, ClinGen allele CA9724506.
Genomic context (GRCh38, chr20:761,055, plus strand): 5'-GTGAGCGATGGGGGCGGGGTCGGCGGCCTGCCTAGGCTGGACAGTGCAGATTGCAGAAGT[C>A]CGCGGACGAGAAGAGCCGCAGCACGTTGACCAGAGGGAACATGAGCAGCGCTCCGAGCAG-3'
Protein context (NP_212134.3, residues 451-469): VNVLRLFSSA[Asp461Tyr]FCNLHCPA

ClinVar aggregate classification (germline): Uncertain significance. Review status: criteria provided, multiple submitters, no conflicts (2 of 4 stars). 8 submissions from 8 submitters: Uncertain significance (8). Last evaluated 2026-08-27.

Conditions:
SLC52A3-related disorder. Also called: SLC52A3-related condition.
Inborn genetic diseases. Identifiers: MedGen C0950123, MeSH D030342.
Brown-Vialetto-van Laere syndrome 1. Also called: BROWN-VIALETTO-VAN LAERE SYNDROME 1, MILD; BULBAR PALSY, PROGRESSIVE, WITH SENSORINEURAL DEAFNESS; PONTOBULBAR PALSY WITH DEAFNESS. Identifiers: Orphanet 572550, Orphanet 97229, MedGen C0796274, MONDO:0024537, OMIM 211530.

Allele frequency attached by ClinVar (database versions not stated): 1000 Genomes Project 30x 0.00016; ExAC 0.00058; 1000 Genomes Project 0.00020; gnomAD 0.00028 and 0.00026; gnomAD exomes 0.00068 and 0.00038; TOPMed 0.00031; ESP Exome Variant Server 0.00040.
gnomAD v4.1: 1,009 of 1,609,324 alleles (0.063%); highest among the groups gnomAD compares: Non-Finnish European, 0.082%; 1 homozygote.

Submissions (8):

GeneDx
Classification: Uncertain significance. Last evaluated: 2026-08-27. Review status: criteria provided, single submitter. Criteria: GeneDx Variant Classification Process June 2021. Collection method: clinical testing. Allele origin: germline.
Comment: Identified in two patients in the published literature with a second SLC52A3 variant with gait disturbance, muscle weakness, and hearing loss who both demonstrated improvement upon use of riboflavin therapy (PMID: 27777325, Marques et al., 2024 DOI: 10.1055/s-0044-1786159); In silico analysis supports that this missense variant has a deleterious effect on protein structure/function; This variant is associated with the following publications: (PMID: 34662687, 27777325, Marques2024[CaseReport], 23506902, 33087424, 37845732, 38974615)

PreventionGenetics, part of Exact Sciences
Classification: Uncertain significance for SLC52A3-related condition. Last evaluated: 2026-07-10. Review status: criteria provided, single submitter. Criteria: ACMG Guidelines, 2015. Collection method: clinical testing. Allele origin: germline.
Comment: The SLC52A3 c.1381G>T variant is predicted to result in the amino acid substitution p.Asp461Tyr. This variant was reported in the compound heterozygous state in an individual with Brown-Vialetto-Van Laere syndrome (Bashford et al. 2017. PubMed ID: 27777325). However, this variant is reported in 0.074% of alleles in individuals of European (Non-Finnish) descent in gnomAD, which may be too frequent to be a primary cause of disease. Although we suspect that this variant may be benign, at this time, the clinical significance of this variant is uncertain due to the absence of conclusive functional and genetic evidence.

Mayo Clinic Laboratories, Mayo Clinic
Classification: Uncertain significance. Last evaluated: 2024-09-25. Review status: criteria provided, single submitter. Criteria: ACMG Guidelines, 2015. Collection method: clinical testing. Allele origin: germline. Observed: 3 variant alleles.

Blueprint Genetics
Classification: Uncertain significance. Last evaluated: 2024-09-24. Review status: criteria provided, single submitter. Criteria: ACMG Guidelines, 2015. Collection method: clinical testing. Allele origin: germline.

Labcorp Genetics (formerly Invitae), Labcorp
Classification: Uncertain significance for Brown-Vialetto-van Laere syndrome 1. Last evaluated: 2024-01-11. Review status: criteria provided, single submitter. Criteria: Invitae Variant Classification Sherloc (09022015). Collection method: clinical testing. Allele origin: germline.
Comment: This sequence change replaces aspartic acid, which is acidic and polar, with tyrosine, which is neutral and polar, at codon 461 of the SLC52A3 protein (p.Asp461Tyr). This variant is present in population databases (rs140360713, gnomAD 0.07%). This missense change has been observed in individual(s) with clinical features of Brown-Vialetto-Van Laere syndrome (PMID: 27777325; Invitae). ClinVar contains an entry for this variant (Variation ID: 476604). Advanced modeling of protein sequence and biophysical properties (such as structural, functional, and spatial information, amino acid conservation, physicochemical variation, residue mobility, and thermodynamic stability) performed at Invitae indicates that this missense variant is not expected to disrupt SLC52A3 protein function with a negative predictive value of 80%. In summary, the available evidence is currently insufficient to determine the role of this variant in disease. Therefore, it has been classified as a Variant of Uncertain Significance.

Ambry Genetics
Classification: Uncertain significance for Inborn genetic diseases. Last evaluated: 2023-12-21. Review status: criteria provided, single submitter. Criteria: Ambry Variant Classification Scheme 2023. Collection method: clinical testing. Allele origin: germline.

MGZ Medical Genetics Center
Classification: Uncertain significance for Brown-Vialetto-van Laere syndrome 1. Last evaluated: 2022-01-24. Review status: criteria provided, single submitter. Criteria: ACMG Guidelines, 2015. Collection method: clinical testing. Allele origin: germline. Affected: yes. Observed: 1 variant allele.
Comment: ACMG criteria applied: PM2_SUP, PM3_SUP, PP3

CeGaT Center for Human Genetics Tuebingen
Classification: Uncertain significance. Last evaluated: 2018-08-01. Review status: criteria provided, single submitter. Criteria: CeGaT Center For Human Genetics Tuebingen Variant Classification Criteria Version 2. Collection method: clinical testing. Allele origin: germline. Affected: yes. Observed: 3 variant alleles.

Literature cited by the submitters: PubMed 23506902 (cited by Mayo Clinic Laboratories, Mayo Clinic); PubMed 27777325 (cited by 3 submitters); PubMed 33087424 (cited by Mayo Clinic Laboratories, Mayo Clinic); PubMed 34662687 (cited by Mayo Clinic Laboratories, Mayo Clinic).